The following is an entry in ClinVar:

NC_000015.9:g.(?_93489031)_(93489466_?)del

Gene: CHD2 (chromodomain helicase DNA binding protein 2; plus strand). Cytogenetic location: 15q26.1.
Variant type: Deletion.
Identifiers: ClinVar variation 1457903 (VCV001457903.8).

ClinVar aggregate classification (germline): Pathogenic (1 of 4 stars; one submission).

Conditions:
Developmental and epileptic encephalopathy 94 (DEE94). Also called: Epileptic encephalopathy, childhood-onset; CHD2-Related Neurodevelopmental Disorders. Identifiers: Orphanet 1942, Orphanet 2382, MedGen C3809278, MONDO:0014150, OMIM 615369.

Submission:

Labcorp Genetics (formerly Invitae), Labcorp
Classification: Pathogenic for Developmental and epileptic encephalopathy 94. Last evaluated: 2023-03-17. Review status: criteria provided, single submitter. Criteria: Invitae Variant Classification Sherloc (09022015). Collection method: clinical testing. Allele origin: germline.
Comment: For these reasons, this variant has been classified as Pathogenic. This variant has not been reported in the literature in individuals affected with CHD2-related conditions. This variant is a gross deletion of the genomic region encompassing exon(s) 11-12 of the CHD2 gene. This deletion is out-of-frame, and is expected to create a premature termination codon and result in an absent or disrupted protein product. Loss-of-function variants in CHD2 are known to be pathogenic (PMID: 23708187, 24207121).

Literature cited by the submitters: PubMed 23708187; PubMed 24207121.